The following is an entry in ClinVar:

NM_001171613.2(PREPL):c.1727C>T (p.Ala576Val)

Gene: PREPL (prolyl endopeptidase like; minus strand). Cytogenetic location: 2p21.
Variant type: single nucleotide variant.
Coding change: c.1727C>T on transcript NM_001171613.2 (MANE Select); coding-DNA position 1727, C replaced by T.
Protein change: p.Ala576Val; replaces alanine 576 with valine.
Molecular consequence: missense variant.
Genome position (GRCh38, 1-based): chr2:44,322,757, G>A on the plus strand (C>T on the coding strand, the complement: PREPL is on the minus strand). VCF-style: chr2-44322757-G-A. GRCh37 (hg19) VCF-style: chr2-44549896-G-A.
Other names: c.1808C>T, p.Ala603Val (NM_001042385.2); c.1796C>T, p.Ala599Val (NM_001042386.2); c.1994C>T, p.Ala665Val (NM_001171603.1, NM_001171606.2, NM_001374275.1 and 2 more transcripts); c.1727C>T, p.Ala576Val (NM_001171617.1, NM_001374277.1); short protein forms A576V, A603V, A599V, A665V.
Identifiers: ClinVar variation 950025 (VCV000950025.9), dbSNP rs202130215, ClinGen allele CA1640987.

ClinVar aggregate classification (germline): Uncertain significance (1 of 4 stars; one submission).

Conditions:
Myasthenic syndrome, congenital, 22 (CMS22). Also called: PREPL DEFICIENCY. Identifiers: MedGen C4479088, MONDO:0044299, OMIM 616224.

Allele frequency attached by ClinVar (database versions not stated): ESP Exome Variant Server 0.00008; gnomAD exomes 0.00010 and 0.00012; ExAC 0.00012; gnomAD 0.00012; 1000 Genomes Project 30x 0.00016; TOPMed 0.00018; 1000 Genomes Project 0.00020.
gnomAD v4.1: 179 of 1,613,760 alleles (0.011%); highest among the groups gnomAD compares: African/African-American, 0.021%; no homozygotes.

Submission:

Labcorp Genetics (formerly Invitae), Labcorp
Classification: Uncertain significance for Myasthenic syndrome, congenital, 22. Last evaluated: 2025-12-06. Review status: criteria provided, single submitter. Criteria: Invitae Variant Classification Sherloc (09022015). Collection method: clinical testing. Allele origin: germline.
Comment: This sequence change replaces alanine, which is neutral and non-polar, with valine, which is neutral and non-polar, at codon 665 of the PREPL protein (p.Ala665Val). This variant is present in population databases (rs202130215, gnomAD 0.1%). This variant has not been reported in the literature in individuals affected with PREPL-related conditions. ClinVar contains an entry for this variant (Variation ID: 950025). An algorithm developed to predict the effect of missense changes on protein structure and function outputs the following: PolyPhen-2: "Benign". The valine amino acid residue is found in multiple mammalian species, which suggests that this missense change does not adversely affect protein function. In summary, the available evidence is currently insufficient to determine the role of this variant in disease. Therefore, it has been classified as a Variant of Uncertain Significance.